The following is an entry in ClinVar:

NM_015450.3(POT1):c.1283A>T (p.Asn428Ile)

Gene: POT1 (protection of telomeres 1; minus strand). Cytogenetic location: 7q31.33.
Variant type: single nucleotide variant.
Coding change: c.1283A>T on transcript NM_015450.3 (MANE Select); coding-DNA position 1283, A replaced by T.
Protein change: p.Asn428Ile; replaces asparagine 428 with isoleucine.
Molecular consequence: missense variant. On other transcripts: non-coding transcript variant (3).
Genome position (GRCh38, 1-based): chr7:124,841,059, T>A on the plus strand (A>T on the coding strand, the complement: POT1 is on the minus strand). VCF-style: chr7-124841059-T-A. GRCh37 (hg19) VCF-style: chr7-124481113-T-A.
Other names: c.1283A>T (NM_015450.2); c.890A>T, p.Asn297Ile (NM_001042594.2); short protein forms N428I, N297I.
Identifiers: ClinVar variation 3667348 (VCV003667348.3).
Genomic context (GRCh38, chr7:124,841,059, plus strand): 5'-GAAAGCGGGAGAATACCATTATTTTTCACAAAATGAACTGCTACTTTTCGTCCTTTTTGA[T>A]TTTTAGTGGTCCAGATTTTTGAATCATATAATGATGTATTTTGTAGCTTGACATCTGGGG-3'
Protein context (NP_056265.2, residues 418-438): LYDSKIWTTK[Asn428Ile]QKGRKVAVHF

ClinVar aggregate classification (germline): Uncertain significance. Review status: criteria provided, multiple submitters, no conflicts (2 of 4 stars). 2 submissions from 2 submitters: Uncertain significance (2). Last evaluated 2026-07-04.

Conditions:
Hereditary cancer-predisposing syndrome. Also called: Tumor predisposition; Hereditary neoplastic syndrome; Hereditary Cancer Syndrome; Neoplastic Syndromes, Hereditary. Identifiers: Orphanet 140162, MedGen C0027672, MeSH D009386, MONDO:0015356.
Tumor predisposition syndrome 3 (TPDS3). Also called: Glioma susceptibility 9; LONG TELOMERE SYNDROME, POT1-RELATED; POT1 Tumor Predisposition; Melanoma, cutaneous malignant, susceptibility to, 10. Identifiers: Orphanet 618, MedGen C4014476, MONDO:0014368, OMIM 615848.

Submissions (2):

Ambry Genetics
Classification: Uncertain significance for Hereditary cancer-predisposing syndrome. Last evaluated: 2026-07-04. Review status: criteria provided, single submitter. Criteria: Ambry Variant Classification Scheme 2023. Collection method: clinical testing. Allele origin: germline.
Comment: The p.N428I variant (also known as c.1283A>T), located in coding exon 10 of the POT1 gene, results from an A to T substitution at nucleotide position 1283. The asparagine at codon 428 is replaced by isoleucine, an amino acid with dissimilar properties. This amino acid position is conserved. In addition, this alteration is predicted to be tolerated by in silico analysis. Based on the available evidence, the clinical significance of this variant remains unclear.

Labcorp Genetics (formerly Invitae), Labcorp
Classification: Uncertain significance for Tumor predisposition syndrome 3. Last evaluated: 2024-11-13. Review status: criteria provided, single submitter. Criteria: Invitae Variant Classification Sherloc (09022015). Collection method: clinical testing. Allele origin: germline.
Comment: This sequence change replaces asparagine, which is neutral and polar, with isoleucine, which is neutral and non-polar, at codon 428 of the POT1 protein (p.Asn428Ile). This variant is not present in population databases (gnomAD no frequency). This variant has not been reported in the literature in individuals affected with POT1-related conditions. Invitae Evidence Modeling of protein sequence and biophysical properties (such as structural, functional, and spatial information, amino acid conservation, physicochemical variation, residue mobility, and thermodynamic stability) indicates that this missense variant is not expected to disrupt POT1 protein function with a negative predictive value of 80%. In summary, the available evidence is currently insufficient to determine the role of this variant in disease. Therefore, it has been classified as a Variant of Uncertain Significance.